The following is an entry in ClinVar:

ClinVar aggregate classification (germline): Uncertain significance (1 of 4 stars; one submission).

Conditions:
Hyper-IgM syndrome type 1. Also called: Immunodeficiency, X-linked, with hyper-IgM; Hyper-IgM Immunodeficiency Syndrome, Type 1; CD40 Ligand Deficiency; X-linked hyper-IgM syndrome. Identifiers: Orphanet 101088, MedGen C0398689, MONDO:0010626, OMIM 308230.

Submission:

Labcorp Genetics (formerly Invitae), Labcorp
Classification: Uncertain significance for Hyper-IgM syndrome type 1. Last evaluated: 2025-03-13. Review status: criteria provided, single submitter. Criteria: Invitae Variant Classification Sherloc (09022015). Collection method: clinical testing. Allele origin: germline.
Comment: This sequence change replaces isoleucine, which is neutral and non-polar, with threonine, which is neutral and polar, at codon 122 of the CD40LG protein (p.Ile122Thr). This variant is not present in population databases (gnomAD no frequency). This missense change has been observed in individual(s) with clinical features of CD40LG-related conditions (PMID: 32135276). Invitae Evidence Modeling of protein sequence and biophysical properties (such as structural, functional, and spatial information, amino acid conservation, physicochemical variation, residue mobility, and thermodynamic stability) indicates that this missense variant is not expected to disrupt CD40LG protein function with a negative predictive value of 80%. In summary, the available evidence is currently insufficient to determine the role of this variant in disease. Therefore, it has been classified as a Variant of Uncertain Significance.

Literature cited by the submitters: PubMed 32135276.

NM_000074.3(CD40LG):c.365T>C (p.Ile122Thr)

Gene: CD40LG (CD40 ligand; plus strand). Cytogenetic location: Xq26.3.
Variant type: single nucleotide variant.
Coding change: c.365T>C on transcript NM_000074.3 (MANE Select); coding-DNA position 365, T replaced by C.
Protein change: p.Ile122Thr; replaces isoleucine 122 with threonine.
Molecular consequence: missense variant.
Genome position (GRCh38, 1-based): chrX:136,656,374, T>C. VCF-style: chrX-136656374-T-C. GRCh37 (hg19) VCF-style: chrX-135738533-T-C.
Other names: short protein forms I122T.
Identifiers: ClinVar variation 4698329 (VCV004698329.1).